The following is an entry in ClinVar:

ClinVar aggregate classification (germline): Uncertain significance (1 of 4 stars; one submission).

Submission:

GeneDx
Classification: Uncertain significance. Last evaluated: 2019-08-15. Review status: criteria provided, single submitter. Criteria: GeneDx Variant Classification Process June 2021. Collection method: clinical testing. Allele origin: germline. Affected: yes.
Comment: Not observed in large population cohorts (Lek et al., 2016); Frameshift variant predicted to result in protein truncation as the last 239 amino acids are lost and replaced with 13 incorrect amino acids, although loss-of-function variants have not been reported downstream of this position in the protein; Has not been previously published as pathogenic or benign to our knowledge; Variants in candidate genes are classified as variants of uncertain significance in accordance with ACMG guidelines (Richards et al., 2015)

NM_002655.3(PLAG1):c.785_786del (p.Ile262fs)

Genes: PLAG1 (PLAG1 zinc finger; minus strand), LOC126860395 (BRD4-independent group 4 enhancer GRCh37_chr8:57079228-57080427; plus strand). Cytogenetic location: 8q12.1.
Variant type: Microsatellite.
Coding change: c.785_786del on transcript NM_002655.3 (MANE Select); coding-DNA positions 785 to 786, 2 bases deleted (TA; older notation c.785_786delTA).
Protein change: p.Ile262fs; shifts the reading frame from isoleucine 262.
Molecular consequence: frameshift variant.
Genome position (GRCh38, 1-based): chr8:56,166,960-56,166,961, TA deleted on the plus strand (TA on the coding strand, the reverse complement: PLAG1 is on the minus strand); deleting any 2 consecutive bases within chr8:56,166,960-56,166,963 gives the same sequence; the c. name uses the placement nearest the transcript's 3' end. VCF-style (leftmost placement, unchanged base first): chr8-56166959-TTA-T. GRCh37 (hg19) VCF-style: chr8-57079518-TTA-T.
Other names: c.785_786del, p.Ile262fs (NM_001114634.2); c.539_540del, p.Ile180fs (NM_001114635.2); short protein forms I180fs, I262fs.
Identifiers: ClinVar variation 1307742 (VCV001307742.2), dbSNP rs2129224459, ClinGen allele CA2580617162.
Genomic context (GRCh38, chr8:56,166,959, plus strand): 5'-TGAATGGCTTTGATAACAGTTCACTGGAAGGTAAGGACATCACCGGAAGGAGCTCGTCTT[TTA>T]TAGGCACAGACACATTGCAGGTAAATGGGTCAAGGAAATCCACTGGTTCTGTTTTGACCT-3'